The following is an entry in ClinVar:

NM_005222.4(DLX6):c.134CGC[4] (p.Pro49_Pro53del)

Genes: DLX6 (distal-less homeobox 6; plus strand), DLX6-AS1 (DLX6 antisense RNA 1; minus strand). Cytogenetic location: 7q21.3.
Variant type: Microsatellite.
Coding change: c.134CGC[4] on transcript NM_005222.4 (MANE Select); four copies in a row of the 3-base unit CGC starting at c.134; the reference has nine copies in a row; five copies, 15 bases deleted.
Protein change: p.Pro49_Pro53del.
Molecular consequence: inframe deletion.
Genome position (GRCh38, 1-based): chr7:97,006,123-97,006,137, CGCCGCCGCCGCCGC deleted; deleting any 15 consecutive bases within chr7:97,006,109-97,006,137 gives the same sequence; the position shown is the placement nearest the transcript's 3' end. VCF-style (leftmost placement, unchanged base first): chr7-97006108-AGCCGCCGCCGCCGCC-A. GRCh37 (hg19) VCF-style: chr7-96635420-AGCCGCCGCCGCCGCC-A.
Identifiers: ClinVar variation 4982852 (VCV004982852.1).

ClinVar aggregate classification (germline): Uncertain significance (1 of 4 stars; one submission).

Conditions:
DLX6-related disorder. Also called: DLX6-related condition.

Submission:

PreventionGenetics, part of Exact Sciences
Classification: Uncertain significance for DLX6-related condition. Last evaluated: 2025-12-03. Review status: criteria provided, single submitter. Criteria: ACMG Guidelines, 2015. Collection method: clinical testing. Allele origin: germline.
Comment: The DLX6 c.146_160del15 variant is predicted to result in an in-frame deletion (p.Pro49_Pro53del). To our knowledge, this variant has not been reported in the literature or in a large population database (gnomAD), indicating this variant is rare. At this time, the clinical significance of this variant is uncertain due to the absence of conclusive functional and genetic evidence.